The following is an entry in ClinVar:

NM_006245.4(PPP2R5D):c.617_622delinsTTTGTT (p.Ala206_Pro208delinsValCysSer)

Gene: PPP2R5D (protein phosphatase 2 regulatory subunit B'delta; plus strand). Cytogenetic location: 6p21.1.
Variant type: Indel.
Coding change: c.617_622delinsTTTGTT on transcript NM_006245.4 (MANE Select); coding-DNA positions 617 to 622, CTTGGC replaced by TTTGTT.
Protein change: p.Ala206_Pro208delinsValCysSer.
Molecular consequence: missense variant.
Genome position (GRCh38, 1-based): chr6:43,007,290-43,007,295, CTTGGC replaced by TTTGTT. VCF-style: chr6-43007290-CTTGGC-TTTGTT. GRCh37 (hg19) VCF-style: chr6-42975028-CTTGGC-TTTGTT.
Other names: c.164_169delinsTTTGTT, p.Ala55_Pro57delinsValCysSer (NM_001270476.2); c.521_526delinsTTTGTT, p.Ala174_Pro176delinsValCysSer (NM_180976.3); c.299_304delinsTTTGTT, p.Ala100_Pro102delinsValCysSer (NM_180977.3); c.617_622delCTTGGCinsTTTGTT (NM_006245.4).
Identifiers: ClinVar variation 3731437 (VCV003731437.1).

ClinVar aggregate classification (germline): Uncertain significance (1 of 4 stars; one submission).

Conditions:
Houge-Janssens syndrome 1. Also called: Intellectual disability-macrocephaly-hypotonia-behavioral abnormalities syndrome; INTELLECTUAL DEVELOPMENTAL DISORDER, AUTOSOMAL DOMINANT 35; Hogue-Janssens syndrome 1; PPP2R5D-Related Neurodevelopmental Disorder. Identifiers: Orphanet 457279, MedGen C5779996, MONDO:0014602, OMIM 616355.

Submission:

Neuberg Centre For Genomic Medicine, NCGM
Classification: Uncertain significance for Houge-Janssens syndrome 1. Last evaluated: 2023-06-22. Review status: criteria provided, single submitter. Criteria: ACMG Guidelines, 2015. Collection method: clinical testing. Allele origin: germline. Inheritance: Autosomal dominant inheritance. Affected: yes.
Comment: The observed deletion insertion variant c.617_622delCTTGGCinsTTTGTT(p.Ala206_Pro208delinsValCysSer) in PPP2R5D gene has not been reported previously as a pathogenic variant nor as a benign variant, to our knowledge. This variant is absent in gnomAD Exomes. This variant results in the deletion of the aminoacid Alanine at position 206 and Proline at position 208 and insertion of residues Valine, Cysteine and a Serine. Multiple lines of computational evidence (Polyphen-Probably damaging, SIFT-damaging and MutationTaster-disease causing) predict a damaging effect on protein structure and function for this variant. For these reasons, this variant has been classified as Uncertain Significance.